The following is an entry in ClinVar:

ClinVar aggregate classification (germline): Pathogenic. Review status: criteria provided, multiple submitters, no conflicts (2 of 4 stars). 2 submissions from 2 submitters: Pathogenic (2). Last evaluated 2023-12-24.

Conditions:
Telangiectasia, hereditary hemorrhagic, type 2 (HHT2). Also called: ACVRL1-Related Hereditary Hemorrhagic Telangiectasia; Telangiectasia, hereditary hemorrhagic, type II. Identifiers: Orphanet 774, MedGen C1838163, MONDO:0010880, OMIM 600376. Disease mechanism: loss of function.

Submissions (2):

Labcorp Genetics (formerly Invitae), Labcorp
Classification: Pathogenic for Telangiectasia, hereditary hemorrhagic, type 2. Last evaluated: 2023-12-24. Review status: criteria provided, single submitter. Criteria: Invitae Variant Classification Sherloc (09022015). Collection method: clinical testing. Allele origin: germline.
Comment: This sequence change creates a premature translational stop signal (p.Glu242*) in the ACVRL1 gene. It is expected to result in an absent or disrupted protein product. Loss-of-function variants in ACVRL1 are known to be pathogenic (PMID: 15879500). This variant is not present in population databases (gnomAD no frequency). This variant has not been reported in the literature in individuals affected with ACVRL1-related conditions. ClinVar contains an entry for this variant (Variation ID: 955228). Algorithms developed to predict the effect of sequence changes on RNA splicing suggest that this variant may disrupt the consensus splice site. For these reasons, this variant has been classified as Pathogenic.

Mayo Clinic Laboratories, Mayo Clinic
Classification: Pathogenic. Last evaluated: 2023-06-30. Review status: criteria provided, single submitter. Criteria: ACMG Guidelines, 2015. Collection method: clinical testing. Allele origin: germline. Observed: 1 variant allele.
Comment: PM2, PS4_moderate, PVS1

Literature cited by the submitters: PubMed 15879500 (cited by Labcorp Genetics (formerly Invitae), Labcorp).

NM_000020.3(ACVRL1):c.724G>T (p.Glu242Ter)

Gene: ACVRL1 (activin A receptor like type 1; plus strand). Cytogenetic location: 12q13.13.
Variant type: single nucleotide variant.
Coding change: c.724G>T on transcript NM_000020.3 (MANE Select); coding-DNA position 724, G replaced by T.
Protein change: p.Glu242Ter; replaces glutamic acid 242 with a stop codon.
Molecular consequence: nonsense.
Genome position (GRCh38, 1-based): chr12:51,914,537, G>T. VCF-style: chr12-51914537-G-T. GRCh37 (hg19) VCF-style: chr12-52308321-G-T.
Other names: p.Glu242*; c.724G>T, p.Glu242Ter (NM_001077401.2); short protein forms E242*.
Identifiers: ClinVar variation 955228 (VCV000955228.8), dbSNP rs1940784067, ClinGen allele CA384900160.